The following is an entry in ClinVar:

ClinVar aggregate classification (germline): Uncertain significance (1 of 4 stars; one submission).

Allele frequency attached by ClinVar (database versions not stated): TOPMed 0.00002; gnomAD 0.00003 and 0.00004; gnomAD exomes 0.00003 and 0.00004; ExAC 0.00005.
gnomAD v4.1: 53 of 1,566,290 alleles (0.0034%); highest among the groups gnomAD compares: Admixed American, 0.015%; no homozygotes.

Submission:

Labcorp Genetics (formerly Invitae), Labcorp
Classification: Uncertain significance. Last evaluated: 2024-02-17. Review status: criteria provided, single submitter. Criteria: Invitae Variant Classification Sherloc (09022015). Collection method: clinical testing. Allele origin: germline.
Comment: This sequence change replaces glutamic acid, which is acidic and polar, with lysine, which is basic and polar, at codon 173 of the PALM protein (p.Glu173Lys). This variant is present in population databases (rs770866070, gnomAD 0.03%). This variant has not been reported in the literature in individuals affected with PALM-related conditions. ClinVar contains an entry for this variant (Variation ID: 1063179). An algorithm developed to predict the effect of missense changes on protein structure and function (PolyPhen-2) suggests that this variant is likely to be disruptive. In summary, the available evidence is currently insufficient to determine the role of this variant in disease. Therefore, it has been classified as a Variant of Uncertain Significance.

NM_002579.3(PALM):c.517G>A (p.Glu173Lys)

Gene: PALM (paralemmin; plus strand). Cytogenetic location: 19p13.3.
Variant type: single nucleotide variant.
Coding change: c.517G>A on transcript NM_002579.3 (MANE Select); coding-DNA position 517, G replaced by A.
Protein change: p.Glu173Lys; replaces glutamic acid 173 with lysine.
Molecular consequence: missense variant. On other transcripts: intron variant (1).
Genome position (GRCh38, 1-based): chr19:740,366, G>A. VCF-style: chr19-740366-G-A. GRCh37 (hg19) VCF-style: chr19-740366-G-A.
Other names: c.502+4288G>A (NM_001040134.2); short protein forms E173K.
Identifiers: ClinVar variation 1063179 (VCV001063179.9), dbSNP rs770866070, ClinGen allele CA9022682.
Genomic context (GRCh38, chr19:740,366, plus strand): 5'-GCGGGGGCGGGCAGGCCGTGGTGTAACCCCGTGACTCTCGTGCCAGCCATGTACTCGGTT[G>A]AGATCACTGTGGAGAAGGACAAGGTGACAGGGGAGACCAGGGTGCTGTCCAGCACCACGC-3'
Protein context (NP_002570.2, residues 163-183): PMMKAAMYSV[Glu173Lys]ITVEKDKVTG